The following is an entry in ClinVar:

ClinVar aggregate classification (germline): Pathogenic/Likely pathogenic. Review status: criteria provided, multiple submitters, no conflicts (2 of 4 stars). 3 submissions from 3 submitters: Pathogenic (2); Likely pathogenic (1). Last evaluated 2024-10-14.

Conditions:
Ehlers-Danlos syndrome due to tenascin-X deficiency (EDSCLL1). Also called: EDS DUE TO TNX DEFICIENCY; TNX DEFICIENCY; EHLERS-DANLOS SYNDROME, CLASSIC-LIKE; Ehlers-Danlos syndrome, classic-like, 1; TNXB-Related Classical-Like Ehlers-Danlos Syndrome. Identifiers: Orphanet 230839, MedGen C1848029, MONDO:0011670, OMIM 606408.
Vesicoureteral reflux 8 (VUR8). Identifiers: Orphanet 289365, MedGen C4014831, MONDO:0014422, OMIM 615963.

gnomAD v4.1: 16 of 1,607,334 alleles (0.001%); highest among the groups gnomAD compares: Non-Finnish European, 0.0014%; no homozygotes.

Submissions (3):

Women's Health and Genetics/Laboratory Corporation of America, LabCorp
Classification: Pathogenic for Ehlers-Danlos syndrome due to tenascin-X deficiency. Last evaluated: 2024-10-14. Review status: criteria provided, single submitter. Criteria: LabCorp Variant Classification Summary - May 2015. Collection method: clinical testing. Allele origin: germline.
Comment: Variant summary: TNXB c.3907C>T (p.Gln1303X) results in a premature termination codon, predicted to cause a truncation of the encoded protein or absence of the protein due to nonsense mediated decay, which are commonly known mechanisms for disease. The frequency data for this variant in gnomAD is considered unreliable, as metrics indicate poor data quality at this position. To our knowledge, no occurrence of c.3907C>T in individuals affected with Ehlers-Danlos-like syndrome and no experimental evidence demonstrating its impact on protein function have been reported. No submitters have cited clinical-significance assessments for this variant to ClinVar. Based on the evidence outlined above, the variant was classified as pathogenic.

Myriad Genetics, Inc.
Classification: Pathogenic for Ehlers-Danlos syndrome due to tenascin-X deficiency. Last evaluated: 2024-05-22. Review status: criteria provided, single submitter. Criteria: Myriad Autosomal Dominant, Autosomal Recessive and X-Linked Classification Criteria (2023). Collection method: clinical testing. Allele origin: unknown.
Comment: NM_019105.6(TNXB):c.3907C>T(Q1303*) is expected to be pathogenic in the context of classical-like Ehlers-Danlos syndrome, TNXB-related. This variant is predicted to lead to an abnormal or absent protein product due to the creation of a premature termination codon in TNXB, a gene where loss-of-function variants are known to be pathogenic. Please note: this variant was assessed in the context of healthy population screening.

Fulgent Genetics
Classification: Likely pathogenic for Ehlers-Danlos syndrome due to tenascin-X deficiency; Vesicoureteral reflux 8. Last evaluated: 2024-02-26. Review status: criteria provided, single submitter. Criteria: ACMG Guidelines, 2015. Collection method: clinical testing. Allele origin: germline.

NM_001365276.2(TNXB):c.3907C>T (p.Gln1303Ter)

Gene: TNXB (tenascin XB; minus strand). Cytogenetic location: 6p21.33.
Variant type: single nucleotide variant.
Coding change: c.3907C>T on transcript NM_001365276.2 (MANE Select); coding-DNA position 3907, C replaced by T.
Protein change: p.Gln1303Ter; replaces glutamine 1303 with a stop codon.
Molecular consequence: nonsense.
Genome position (GRCh38, 1-based): chr6:32,081,503, G>A on the plus strand (C>T on the coding strand, the complement: TNXB is on the minus strand). VCF-style: chr6-32081503-G-A. GRCh37 (hg19) VCF-style: chr6-32049280-G-A.
Other names: c.4648C>T, p.Gln1550Ter (NM_001428335.1); c.3907C>T, p.Gln1303Ter (NM_019105.8); short protein forms Q1303*, Q1550*.
Identifiers: ClinVar variation 3384708 (VCV003384708.3).